The following is an entry in ClinVar:

NM_033056.4(PCDH15):c.4406_4409dup (p.Asn1470delinsLysTer)

Gene: PCDH15 (protocadherin related 15; minus strand). Cytogenetic location: 10q21.1.
Variant type: Duplication.
Coding change: c.4406_4409dup on transcript NM_033056.4 (MANE Plus Clinical); coding-DNA positions 4406 to 4409, 4 bases duplicated (ATAA; older notation c.4406_4409dupATAA).
Protein change: p.Asn1470delinsLysTer.
Molecular consequence: nonsense. On other transcripts: intron variant (8).
Genome position (GRCh38, 1-based): chr10:53,823,317-53,823,320, TTAT duplicated on the plus strand (ATAA on the coding strand, the reverse complement: PCDH15 is on the minus strand); duplicating any 4 consecutive bases within chr10:53,823,317-53,823,322 gives the same sequence; the c. name uses the placement nearest the transcript's 3' end. VCF-style (leftmost placement, unchanged base first): chr10-53823316-G-GTTAT. GRCh37 (hg19) VCF-style: chr10-55583076-G-GTTAT.
Other names: c.4427_4430dup, p.Asn1477delinsLysTer (NM_001142763.2); c.4412_4415dup, p.Asn1472delinsLysTer (NM_001142764.2); c.4199_4202dup, p.Asn1401delinsLysTer (NM_001142765.2); c.4397_4400dup, p.Asn1467delinsLysTer (NM_001142766.2); c.4286_4289dup, p.Asn1430delinsLysTer (NM_001142767.2); c.4346_4349dup, p.Asn1450delinsLysTer (NM_001142768.2); c.4337_4340dup, p.Asn1447delinsLysTer (NM_001142773.2); c.4340_4343dup, p.Asn1448delinsLysTer (NM_001354404.2); and 6 more.
Identifiers: ClinVar variation 1457298 (VCV001457298.6), dbSNP rs2076434973, ClinGen allele CA1910742161.
Genomic context (GRCh38, chr10:53,823,316, plus strand): 5'-AATAGTATTGGAAGAAAAGGGCATCACAACTTGTTGATGTTTCCTGTCTTCTGAGACTGA[G>GTTAT]TTATTTCCCCTGCTTTGTTGAAAATGGTAGAGAAGGAAAAGACTTGAAAGAAAAGAAGAT-3'

ClinVar aggregate classification (germline): Pathogenic (1 of 4 stars; one submission).

Submission:

Labcorp Genetics (formerly Invitae), Labcorp
Classification: Pathogenic. Last evaluated: 2022-06-13. Review status: criteria provided, single submitter. Criteria: Invitae Variant Classification Sherloc (09022015). Collection method: clinical testing. Allele origin: germline.
Comment: For these reasons, this variant has been classified as Pathogenic. This variant disrupts a region of the PCDH15 protein in which other variant(s) (p.Gln1576*) have been determined to be pathogenic (PMID: 28281779). This suggests that this is a clinically significant region of the protein, and that variants that disrupt it are likely to be disease-causing. This variant has not been reported in the literature in individuals affected with PCDH15-related conditions. This variant is not present in population databases (gnomAD no frequency). This sequence change creates a premature translational stop signal (p.Asn1470Lysfs*2) in the PCDH15 gene. While this is not anticipated to result in nonsense mediated decay, it is expected to disrupt the last 486 amino acid(s) of the PCDH15 protein.

Literature cited by the submitters: PubMed 28281779.